The following is an entry in ClinVar:

ClinVar aggregate classification (germline): Uncertain significance (1 of 4 stars; one submission).

Conditions:
Hereditary cancer-predisposing syndrome. Also called: Hereditary neoplastic syndrome; Neoplastic Syndromes, Hereditary; Tumor predisposition; Hereditary Cancer Syndrome. Identifiers: Orphanet 140162, MedGen C0027672, MeSH D009386, MONDO:0015356.

Submission:

Ambry Genetics
Classification: Uncertain significance for Hereditary cancer-predisposing syndrome. Last evaluated: 2025-08-27. Review status: criteria provided, single submitter. Criteria: Ambry Variant Classification Scheme 2023. Collection method: clinical testing. Allele origin: germline.
Comment: The p.S164R variant (also known as c.490A>C), located in coding exon 6 of the MUTYH gene, results from an A to C substitution at nucleotide position 490. The serine at codon 164 is replaced by arginine, an amino acid with dissimilar properties. This amino acid position is conserved. In addition, this alteration is predicted to be tolerated by in silico analysis. Based on the available evidence, the clinical significance of this variant remains unclear.

NM_001048174.2(MUTYH):c.406A>C (p.Ser136Arg)

Gene: MUTYH (mutY DNA glycosylase; minus strand). Cytogenetic location: 1p34.1.
Variant type: single nucleotide variant.
Coding change: c.406A>C on transcript NM_001048174.2 (MANE Select); coding-DNA position 406, A replaced by C.
Protein change: p.Ser136Arg; replaces serine 136 with arginine.
Molecular consequence: missense variant. On other transcripts: non-coding transcript variant (6), intron variant (4).
Genome position (GRCh38, 1-based): chr1:45,332,932, T>G on the plus strand (A>C on the coding strand, the complement: MUTYH is on the minus strand). VCF-style: chr1-45332932-T-G. GRCh37 (hg19) VCF-style: chr1-45798604-T-G.
Other names: c.406A>C, p.Ser136Arg (NM_001407088.1, NM_001407089.1, NM_001048171.2 and 5 more transcripts); c.130A>C, p.Ser44Arg (NM_001407091.1, NM_001293192.2, NM_001293196.2); c.481A>C, p.Ser161Arg (NM_012222.3); c.409A>C, p.Ser137Arg (NM_001048172.2, NM_001407071.1, NM_001407078.1 and 1 more transcripts); c.322A>C, p.Ser108Arg (NM_001407075.1); c.439A>C, p.Ser147Arg (NM_001407077.1, NM_001293191.2); c.61A>C, p.Ser21Arg (NM_001407082.1, NM_001350650.2, NM_001350651.2); c.448A>C, p.Ser150Arg (NM_001407083.1, NM_001407085.1); and 7 more; short protein forms S150R, S136R, S151R, S164R, S137R, S143R, S44R, S108R.
Identifiers: ClinVar variation 4113687 (VCV004113687.1).